The following is an entry in ClinVar:

NM_000186.4(CFH):c.3047A>G (p.Tyr1016Cys)

Gene: CFH (complement factor H; plus strand). Cytogenetic location: 1q31.3.
Variant type: single nucleotide variant.
Coding change: c.3047A>G on transcript NM_000186.4 (MANE Select); coding-DNA position 3047, A replaced by G.
Protein change: p.Tyr1016Cys; replaces tyrosine 1016 with cysteine.
Molecular consequence: missense variant.
Genome position (GRCh38, 1-based): chr1:196,741,965, A>G. VCF-style: chr1-196741965-A-G. GRCh37 (hg19) VCF-style: chr1-196711095-A-G.
Other names: short protein forms Y1016C.
Identifiers: ClinVar variation 4291531 (VCV004291531.1).

ClinVar aggregate classification (germline): Uncertain significance (1 of 4 stars; one submission).

Conditions:
Atypical hemolytic-uremic syndrome. Identifiers: Orphanet 2134, MedGen C2931788, MONDO:0016244.

Submission:

Genomenon, Inc
Classification: Uncertain significance for Atypical hemolytic-uremic syndrome. Last evaluated: 2025-10-02. Review status: criteria provided, single submitter. Criteria: Genomenon Sequence Variant Interpretation Standards - Updated. Collection method: curation. Allele origin: germline. Affected: yes.
Comment: CFH p.Tyr1016Cys (c.3047A>G) is a missense variant that changes the amino acid at residue 1016 from Tyrosine to Cysteine. This variant has been observed in at least one proband affected with atypical hemolytic uremic syndrome (PMID:36347020). It is absent or not present at a significant frequency in gnomAD. In conclusion, we classify CFH p.Tyr1016Cys (c.3047A>G) as a variant of uncertain significance.

Literature cited by the submitters: PubMed 36347020.